The following is an entry in ClinVar:

GRCh37/hg19 17q23.2-24.1(chr17:58773496-62757149)x3

Genes: ACE (angiotensin I converting enzyme; plus strand), BCAS3 (BCAS3 microtubule associated cell migration factor; plus strand), BRIP1 (BRCA1 interacting DNA helicase 1; minus strand), CCDC47 (coiled-coil domain containing 47; minus strand), CD79B (CD79b molecule; minus strand) and 39 more. Cytogenetic location: 17q23.2-24.1.
Variant type: copy number gain.
Change: copy number 3 (three copies instead of two) of chr17:58,773,496-62,757,149 (3.98 Mb, GRCh37 coordinates, 1-based), cytogenetic band 17q23.2-24.1.
Identifiers: ClinVar variation 3391860 (VCV003391860.1).

ClinVar aggregate classification (germline): Pathogenic (1 of 4 stars; one submission).

Submission:

Quest Diagnostics Nichols Institute San Juan Capistrano
Classification: Pathogenic. Last evaluated: 2023-09-22. Review status: criteria provided, single submitter. Criteria: ACMG/ClinGen CNV Guidelines, 2019. Collection method: clinical testing. Allele origin: unknown.
Comment: Copy number gains of 17q23.1q23.2 are associated with various phenotypes, with reduced penetrance and variable expressivity noted (Alvarado 2010, Lu 2012, Peterson 2014, Wessel 2017). There are no similar copy number gains of this region in the general populations of the Database of Genomic Variants. Thus, based on current medical literature and gene count, this CNV is classified as pathogenic. References: Alvarado et al., Am J Hum Genet. 2010 Jul 9;87(1):154-60. PMID: 20598276; Lu et al., Am J Med Genet A. 2012 Jul;158A(7):1620-7. PMID: 22678995; Peterson et al., Am J Med Genet A. 2014 Feb;164A(2):364-9. PMID: 24592505; Wessel et al., BMC Med Genet. 2017 Oct 25;18(1):119. PMID: 29070031